The following is an entry in ClinVar:

NM_001999.4(FBN2):c.1120C>T (p.Arg374Cys)

Gene: FBN2 (fibrillin 2; minus strand). Cytogenetic location: 5q23.3.
Variant type: single nucleotide variant.
Coding change: c.1120C>T on transcript NM_001999.4 (MANE Select); coding-DNA position 1120, C replaced by T.
Protein change: p.Arg374Cys; replaces arginine 374 with cysteine.
Molecular consequence: missense variant.
Genome position (GRCh38, 1-based): chr5:128,395,233, G>A on the plus strand (C>T on the coding strand, the complement: FBN2 is on the minus strand). VCF-style: chr5-128395233-G-A. GRCh37 (hg19) VCF-style: chr5-127730926-G-A.
Other names: short protein forms R374C.
Identifiers: ClinVar variation 1399749 (VCV001399749.8), dbSNP rs759013590, ClinGen allele CA3395881.

ClinVar aggregate classification (germline): Uncertain significance (1 of 4 stars; one submission).

Conditions:
Congenital contractural arachnodactyly (CCA). Also called: BEALS SYNDROME; Beals-Hecht syndrome; Arthrogryposis, distal, type 9. Identifiers: Orphanet 115, MedGen C0220668, MONDO:0007363, OMIM 121050.

Allele frequency attached by ClinVar (database versions not stated): gnomAD exomes below 0.00001 and 0.00001; gnomAD 0.00001; TOPMed 0.00001; ExAC 0.00002.
gnomAD v4.1: 10 of 1,613,948 alleles (0.00062%); highest among the groups gnomAD compares: Admixed American, 0.0017%; no homozygotes.

Submission:

Labcorp Genetics (formerly Invitae), Labcorp
Classification: Uncertain significance for Congenital contractural arachnodactyly. Last evaluated: 2025-09-14. Review status: criteria provided, single submitter. Criteria: Invitae Variant Classification Sherloc (09022015). Collection method: clinical testing. Allele origin: germline.
Comment: This sequence change replaces arginine, which is basic and polar, with cysteine, which is neutral and slightly polar, at codon 374 of the FBN2 protein (p.Arg374Cys). This variant is present in population databases (rs759013590, gnomAD 0.002%). This missense change has been observed in individual(s) with FBN2-related conditions (PMID: 30675029). ClinVar contains an entry for this variant (Variation ID: 1399749). Invitae Evidence Modeling of protein sequence and biophysical properties (such as structural, functional, and spatial information, amino acid conservation, physicochemical variation, residue mobility, and thermodynamic stability) indicates that this missense variant is expected to disrupt FBN2 protein function with a positive predictive value of 80%. In summary, the available evidence is currently insufficient to determine the role of this variant in disease. Therefore, it has been classified as a Variant of Uncertain Significance.

Literature cited by the submitters: PubMed 30675029.